The following is an entry in ClinVar:

NM_001282531.3(ADNP):c.1075A>G (p.Ile359Val)

Gene: ADNP (activity dependent neuroprotector homeobox; minus strand). Cytogenetic location: 20q13.13.
Variant type: single nucleotide variant.
Coding change: c.1075A>G on transcript NM_001282531.3 (MANE Select); coding-DNA position 1075, A replaced by G.
Protein change: p.Ile359Val; replaces isoleucine 359 with valine.
Molecular consequence: missense variant.
Genome position (GRCh38, 1-based): chr20:50,893,639, T>C on the plus strand (A>G on the coding strand, the complement: ADNP is on the minus strand). VCF-style: chr20-50893639-T-C. GRCh37 (hg19) VCF-style: chr20-49510176-T-C.
Other names: c.1075A>G, p.Ile359Val (NM_001282532.2, NM_001347511.2, NM_015339.5 and 1 more transcripts); short protein forms I359V.
Identifiers: ClinVar variation 718326 (VCV000718326.19), dbSNP rs78300927, ClinGen allele CA9908787.

ClinVar aggregate classification (germline): Benign/Likely benign. Review status: criteria provided, multiple submitters, no conflicts (2 of 4 stars). 6 submissions from 6 submitters: Benign (3); Likely benign (3). Last evaluated 2026-01-28.

Conditions:
Inborn genetic diseases. Identifiers: MedGen C0950123, MeSH D030342.
ADNP-related multiple congenital anomalies - intellectual disability - autism spectrum disorder. Also called: ADNP-Related Helsmoortel-Van der Aa Syndrome; Helsmoortel-Van der Aa Syndrome. Identifiers: Orphanet 404448, MedGen C4014538, MONDO:0014379, OMIM 615873. Disease mechanism: loss of function.

Allele frequency attached by ClinVar (database versions not stated): gnomAD exomes 0.00049 and 0.00121; ExAC 0.00143; gnomAD 0.00513 and 0.00553; TOPMed 0.00587; ESP Exome Variant Server 0.00661; 1000 Genomes Project 0.00679; 1000 Genomes Project 30x 0.00687.
gnomAD v4.1: 1,507 of 1,614,172 alleles (0.093%); highest among the groups gnomAD compares: African/African-American, 1.8%; 14 homozygotes.

Submissions (6):

Labcorp Genetics (formerly Invitae), Labcorp
Classification: Benign. Last evaluated: 2026-01-28. Review status: criteria provided, single submitter. Criteria: Invitae Variant Classification Sherloc (09022015). Collection method: clinical testing. Allele origin: germline.

Blueprint Genetics
Classification: Likely benign. Last evaluated: 2024-11-05. Review status: criteria provided, single submitter. Criteria: ACMG Guidelines, 2015. Collection method: clinical testing. Allele origin: germline.

GeneDx
Classification: Likely benign. Last evaluated: 2023-12-28. Review status: criteria provided, single submitter. Criteria: GeneDx Variant Classification Process June 2021. Collection method: clinical testing. Allele origin: germline. Affected: yes.
Comment: See Variant Classification Assertion Criteria.

Genome-Nilou Lab
Classification: Benign for ADNP-related multiple congenital anomalies - intellectual disability - autism spectrum disorder. Last evaluated: 2021-12-05. Review status: criteria provided, single submitter. Criteria: ACMG Guidelines, 2015. Collection method: clinical testing. Allele origin: germline. Affected: no.

Ambry Genetics
Classification: Benign for Inborn genetic diseases. Last evaluated: 2018-02-26. Review status: criteria provided, single submitter. Criteria: Ambry Variant Classification Scheme 2023. Collection method: clinical testing. Allele origin: germline.

Breakthrough Genomics
Classification: Likely benign. Review status: criteria provided, single submitter. Criteria: ACMG Guidelines, 2015. Collection method: not provided. Allele origin: germline. Inheritance: Autosomal dominant inheritance. Affected: yes.